The following is an entry in ClinVar:

NM_016604.4(KDM3B):c.423G>A (p.Leu141=)

Gene: KDM3B (lysine demethylase 3B; plus strand). Cytogenetic location: 5q31.2.
Variant type: single nucleotide variant.
Coding change: c.423G>A on transcript NM_016604.4 (MANE Select); coding-DNA position 423, G replaced by A.
Protein change: p.Leu141=; no amino-acid change (leucine 141 retained).
Molecular consequence: synonymous variant.
Genome position (GRCh38, 1-based): chr5:138,375,155, G>A. VCF-style: chr5-138375155-G-A. GRCh37 (hg19) VCF-style: chr5-137710844-G-A.
Identifiers: ClinVar variation 2431858 (VCV002431858.2), dbSNP rs1761965198, ClinGen allele CA446596413.

ClinVar aggregate classification (germline): Uncertain significance (1 of 4 stars; one submission).

Conditions:
Diets-Jongmans syndrome. Also called: INTELLECTUAL DEVELOPMENTAL DISORDER WITH DISTINCTIVE FACIAL DYSMORPHISM. Identifiers: MedGen C5394263, MONDO:0030012, OMIM 618846.

Allele frequency attached by ClinVar (database versions not stated): TOPMed below 0.00001.

Submission:

Laboratorio de Genetica e Diagnostico Molecular, Hospital Israelita Albert Einstein
Classification: Uncertain significance for Diets-Jongmans syndrome. Last evaluated: 2023-02-03. Review status: criteria provided, single submitter. Criteria: ACMG Guidelines, 2015. Collection method: clinical testing. Allele origin: germline. Affected: yes.
Comment: ACMG classification criteria: PM2 moderated